The following is an entry in ClinVar:

ClinVar aggregate classification (germline): Uncertain significance. Review status: criteria provided, multiple submitters, no conflicts (2 of 4 stars). 2 submissions from 2 submitters: Uncertain significance (2). Last evaluated 2026-07-02.

Conditions:
Hereditary cancer-predisposing syndrome. Also called: Hereditary neoplastic syndrome; Hereditary Cancer Syndrome; Neoplastic Syndromes, Hereditary; Tumor predisposition. Identifiers: Orphanet 140162, MedGen C0027672, MeSH D009386, MONDO:0015356.

Submissions (2):

Ambry Genetics
Classification: Uncertain significance for Hereditary cancer-predisposing syndrome. Last evaluated: 2026-07-02. Review status: criteria provided, single submitter. Criteria: Ambry Variant Classification Scheme 2023. Collection method: clinical testing. Allele origin: germline.
Comment: The p.Q192E variant (also known as c.574C>G), located in coding exon 5 of the NBN gene, results from a C to G substitution at nucleotide position 574. The glutamine at codon 192 is replaced by glutamic acid, an amino acid with highly similar properties. This amino acid position is conserved. In addition, this alteration is predicted to be tolerated by in silico analysis. Based on the available evidence, the clinical significance of this variant remains unclear.

Institute for Biomarker Research, Medical Diagnostic Laboratories, L.L.C.
Classification: Uncertain significance for Hereditary cancer-predisposing syndrome. Last evaluated: 2023-03-09. Review status: criteria provided, single submitter. Criteria: ACMG Guidelines, 2015. Collection method: clinical testing. Allele origin: germline.

NM_002485.5(NBN):c.574C>G (p.Gln192Glu)

Gene: NBN (nibrin; minus strand). Cytogenetic location: 8q21.3.
Variant type: single nucleotide variant.
Coding change: c.574C>G on transcript NM_002485.5 (MANE Select); coding-DNA position 574, C replaced by G.
Protein change: p.Gln192Glu; replaces glutamine 192 with glutamic acid.
Molecular consequence: missense variant.
Genome position (GRCh38, 1-based): chr8:89,978,230, G>C on the plus strand (C>G on the coding strand, the complement: NBN is on the minus strand). VCF-style: chr8-89978230-G-C. GRCh37 (hg19) VCF-style: chr8-90990458-G-C.
Other names: c.328C>G, p.Gln110Glu (NM_001024688.3); short protein forms Q110E, Q192E.
Identifiers: ClinVar variation 2573122 (VCV002573122.2), dbSNP rs1554566613, ClinGen allele CA371660110.